The following is an entry in ClinVar:

ClinVar aggregate classification (germline): Likely benign. Review status: criteria provided, multiple submitters, no conflicts (2 of 4 stars). 2 submissions from 2 submitters: Likely benign (2). Last evaluated 2026-06-26.

Conditions:
Autosomal recessive limb-girdle muscular dystrophy type 2Q (LGMDR17). Also called: MUSCULAR DYSTROPHY, LIMB-GIRDLE, AUTOSOMAL RECESSIVE 17. Identifiers: Orphanet 254361, MedGen C3150989, MONDO:0013390, OMIM 613723.
Epidermolysis bullosa simplex, Ogna type (EBS5A). Also called: Pidermolysis bullosa simplex 5A, Ogna type; EPIDERMOLYSIS BULLOSA SIMPLEX 5A, OGNA TYPE. Identifiers: Orphanet 79401, MedGen C0432317, MONDO:0007555, OMIM 131950.
Epidermolysis bullosa simplex 5B, with muscular dystrophy (EBS5B). Also called: EPIDERMOLYSIS BULLOSA SIMPLEX AND LIMB-GIRDLE MUSCULAR DYSTROPHY; Epidermolysis bullosa simplex with muscular dystrophy. Identifiers: Orphanet 257, MedGen C2931072, MONDO:0009181, OMIM 226670.
Epidermolysis bullosa simplex 5C, with pyloric atresia (EBS5C). Also called: PLEC-Related Epidermolysis Bullosa with Pyloric Atresia; Epidermolysis bullosa simplex with pyloric atresia; PLEC1-Related Epidermolysis Bullosa with Pyloric Atresia. Identifiers: Orphanet 158684, MedGen C2677349, MONDO:0012807, OMIM 612138.
Epidermolysis bullosa simplex with nail dystrophy (EBS5D). Identifiers: MedGen C4225309, MONDO:0014661, OMIM 616487.
PLEC-related disorder. Also called: PLEC-related disorders; PLEC-related condition.

Allele frequency attached by ClinVar (database versions not stated): gnomAD 0.00001; gnomAD exomes 0.00001 and 0.00002; TOPMed 0.00001; ExAC 0.00002; 1000 Genomes Project 30x 0.00031; 1000 Genomes Project 0.00040.
gnomAD v4.1: 18 of 1,613,310 alleles (0.0011%); highest among the groups gnomAD compares: East Asian, 0.011%; no homozygotes.

Submissions (2):

PreventionGenetics, part of Exact Sciences
Classification: Likely benign for PLEC-related condition. Last evaluated: 2026-06-26. Review status: criteria provided, single submitter. Criteria: ACMG Guidelines, 2015. Collection method: clinical testing. Allele origin: germline.
Comment: This variant is classified as likely benign based on ACMG/AMP sequence variant interpretation guidelines (Richards et al. 2015 PMID: 25741868, with internal and published modifications).

Labcorp Genetics (formerly Invitae), Labcorp
Classification: Likely benign for Autosomal recessive limb-girdle muscular dystrophy type 2Q; Epidermolysis bullosa simplex, Ogna type; Epidermolysis bullosa simplex with nail dystrophy; Epidermolysis bullosa simplex 5C, with pyloric atresia; Epidermolysis bullosa simplex 5B, with muscular dystrophy. Last evaluated: 2023-10-05. Review status: criteria provided, single submitter. Criteria: Invitae Variant Classification Sherloc (09022015). Collection method: clinical testing. Allele origin: germline.

NM_201384.3(PLEC):c.9831C>T (p.Gly3277=)

Gene: PLEC (plectin; minus strand). Cytogenetic location: 8q24.3.
Variant type: single nucleotide variant.
Coding change: c.9831C>T on transcript NM_201384.3 (MANE Select); coding-DNA position 9831, C replaced by T.
Protein change: p.Gly3277=; no amino-acid change (glycine 3277 retained).
Molecular consequence: synonymous variant.
Genome position (GRCh38, 1-based): chr8:143,919,990, G>A on the plus strand (C>T on the coding strand, the complement: PLEC is on the minus strand). VCF-style: chr8-143919990-G-A. GRCh37 (hg19) VCF-style: chr8-144994158-G-A.
Other names: c.9912C>T, p.Gly3304= (NM_000445.5); c.9789C>T, p.Gly3263= (NM_201378.4); c.9765C>T, p.Gly3255= (NM_201379.3); c.10242C>T, p.Gly3414= (NM_201380.4); c.9735C>T, p.Gly3245= (NM_201381.3); c.9831C>T, p.Gly3277= (NM_201382.4); c.9843C>T, p.Gly3281= (NM_201383.3); c.9912C>T (NM_000445.4).
Identifiers: ClinVar variation 1444873 (VCV001444873.9), dbSNP rs531993412, ClinGen allele CA4924839.
Genomic context (GRCh38, chr8:143,919,990, plus strand): 5'-GGTCTCCACCTCCTCCACGATGGTAATGAGAATCTTGATGACCTTCTCCACGGTGACCTT[G>A]CCCGTGCGGAACTGACGCAACAGCTCCTGCCGCTGCTCCGCAGTGAAGTACTCAGAGCTG-3'
Protein context (NP_958786.1, residues 3267-3287): RQELLRQFRT[Gly3277=]KVTVEKVIKI